The following is an entry in ClinVar:

ClinVar aggregate classification (germline): Uncertain significance (1 of 4 stars; one submission).

Conditions:
Familial focal epilepsy with variable foci (FPEVF). Identifiers: Orphanet 98820, MedGen C1858477, MONDO:0020310.

gnomAD v4.1: 1 of 1,614,258 alleles (0.000062%); no homozygotes.

Submission:

Labcorp Genetics (formerly Invitae), Labcorp
Classification: Uncertain significance for Familial focal epilepsy with variable foci. Last evaluated: 2022-07-12. Review status: criteria provided, single submitter. Criteria: Invitae Variant Classification Sherloc (09022015). Collection method: clinical testing. Allele origin: germline.
Comment: This variant is not present in population databases (gnomAD no frequency). This sequence change replaces valine, which is neutral and non-polar, with leucine, which is neutral and non-polar, at codon 1033 of the DEPDC5 protein (p.Val1033Leu). This variant has not been reported in the literature in individuals affected with DEPDC5-related conditions. In summary, the available evidence is currently insufficient to determine the role of this variant in disease. Therefore, it has been classified as a Variant of Uncertain Significance. Algorithms developed to predict the effect of missense changes on protein structure and function are either unavailable or do not agree on the potential impact of this missense change (SIFT: "Tolerated"; PolyPhen-2: "Not Available"; Align-GVGD: "Class C0"). ClinVar contains an entry for this variant (Variation ID: 1427220).

NM_001242896.3(DEPDC5):c.3097G>C (p.Val1033Leu)

Gene: DEPDC5 (DEP domain containing 5, GATOR1 subcomplex subunit; plus strand). Cytogenetic location: 22q12.3.
Variant type: single nucleotide variant.
Coding change: c.3097G>C on transcript NM_001242896.3 (MANE Select); coding-DNA position 3097, G replaced by C.
Protein change: p.Val1033Leu; replaces valine 1033 with leucine.
Molecular consequence: missense variant. On other transcripts: non-coding transcript variant (5).
Genome position (GRCh38, 1-based): chr22:31,846,909, G>C. VCF-style: chr22-31846909-G-C. GRCh37 (hg19) VCF-style: chr22-32242895-G-C.
Other names: c.3070G>C, p.Val1024Leu (NM_001136029.4, NM_001369903.1, NM_014662.6); c.2863G>C, p.Val955Leu (NM_001242897.2, NM_001363854.2, NM_001364319.2); c.3097G>C, p.Val1033Leu (NM_001363852.2, NM_001364318.2, NM_001364320.2); c.3013G>C, p.Val1005Leu (NM_001369901.1, NM_001369902.1); short protein forms V1005L, V1033L, V1024L, V955L.
Identifiers: ClinVar variation 1427220 (VCV001427220.9), dbSNP rs376313159, ClinGen allele CA411292191.